The following is an entry in ClinVar:

ClinVar aggregate classification (germline): Uncertain significance. Review status: criteria provided, multiple submitters, no conflicts (2 of 4 stars). 2 submissions from 2 submitters: Uncertain significance (2). Last evaluated 2025-08-14.

Conditions:
Inborn genetic diseases. Identifiers: MedGen C0950123, MeSH D030342.
Short-rib thoracic dysplasia 13 with or without polydactyly (SRTD13). Identifiers: Orphanet 474, MedGen C4225378, MONDO:0014577, OMIM 616300.

Allele frequency attached by ClinVar (database versions not stated): gnomAD 0.00001; gnomAD exomes 0.00001; TOPMed 0.00001.
gnomAD v4.1: 14 of 1,613,314 alleles (0.00087%); highest among the groups gnomAD compares: Non-Finnish European, 0.0011%; no homozygotes.

Submissions (2):

Ambry Genetics
Classification: Uncertain significance for Inborn genetic diseases. Last evaluated: 2025-08-14. Review status: criteria provided, single submitter. Criteria: Ambry Variant Classification Scheme 2023. Collection method: clinical testing. Allele origin: germline.

Labcorp Genetics (formerly Invitae), Labcorp
Classification: Uncertain significance for Short-rib thoracic dysplasia 13 with or without polydactyly. Last evaluated: 2022-08-16. Review status: criteria provided, single submitter. Criteria: Invitae Variant Classification Sherloc (09022015). Collection method: clinical testing. Allele origin: germline.
Comment: This sequence change replaces lysine, which is basic and polar, with glutamine, which is neutral and polar, at codon 929 of the CEP120 protein (p.Lys929Gln). This variant is not present in population databases (gnomAD no frequency). This variant has not been reported in the literature in individuals affected with CEP120-related conditions. ClinVar contains an entry for this variant (Variation ID: 1419396). Algorithms developed to predict the effect of missense changes on protein structure and function (SIFT, PolyPhen-2, Align-GVGD) all suggest that this variant is likely to be tolerated. In summary, the available evidence is currently insufficient to determine the role of this variant in disease. Therefore, it has been classified as a Variant of Uncertain Significance.

NM_001375405.1(CEP120):c.2785A>C (p.Lys929Gln)

Gene: CEP120 (centrosomal protein 120; minus strand). Cytogenetic location: 5q23.2.
Variant type: single nucleotide variant.
Coding change: c.2785A>C on transcript NM_001375405.1 (MANE Select); coding-DNA position 2785, A replaced by C.
Protein change: p.Lys929Gln; replaces lysine 929 with glutamine.
Molecular consequence: missense variant. On other transcripts: 3 prime UTR variant (1), non-coding transcript variant (1).
Genome position (GRCh38, 1-based): chr5:123,346,695, T>G on the plus strand (A>C on the coding strand, the complement: CEP120 is on the minus strand). VCF-style: chr5-123346695-T-G. GRCh37 (hg19) VCF-style: chr5-122682389-T-G.
Other names: c.2707A>C, p.Lys903Gln (NM_001166226.2); c.2650A>C, p.Lys884Gln (NM_001375406.1); c.*54A>C (NM_001375407.1); c.2212A>C, p.Lys738Gln (NM_001375408.1, NM_001375409.1); c.2785A>C, p.Lys929Gln (NM_153223.4); c.2785A>C (NM_153223.3); short protein forms K738Q, K884Q, K903Q, K929Q.
Identifiers: ClinVar variation 1419396 (VCV001419396.4), dbSNP rs1768847284, ClinGen allele CA360894129.
Genomic context (GRCh38, chr5:123,346,695, plus strand): 5'-TCAGGCGAGTCAAATAATCATCCAAACCTTCTTCCAATACACTGCCATGGGGGCCATCCT[T>G]TTTTCCACTTGCAATCTCTGTGGAATCCTGGTATTGTTTTTGCTCTTGTTGCCTTAACCT-3'
Protein context (NP_001362334.1, residues 919-939): QDSTEIASGK[Lys929Gln]DGPHGSVLEE